The following is an entry in ClinVar:

NM_014264.5(PLK4):c.490C>T (p.Pro164Ser)

Gene: PLK4 (polo like kinase 4; plus strand). Cytogenetic location: 4q28.1.
Variant type: single nucleotide variant.
Coding change: c.490C>T on transcript NM_014264.5 (MANE Select); coding-DNA position 490, C replaced by T.
Protein change: p.Pro164Ser; replaces proline 164 with serine.
Molecular consequence: missense variant.
Genome position (GRCh38, 1-based): chr4:127,885,860, C>T. VCF-style: chr4-127885860-C-T. GRCh37 (hg19) VCF-style: chr4-128807015-C-T.
Other names: c.394C>T, p.Pro132Ser (NM_001190799.2); c.367C>T, p.Pro123Ser (NM_001190801.2); short protein forms P132S, P164S, P123S.
Identifiers: ClinVar variation 951429 (VCV000951429.4), dbSNP rs753397524, ClinGen allele CA3076589.

ClinVar aggregate classification (germline): Uncertain significance (1 of 4 stars; one submission).

Allele frequency attached by ClinVar (database versions not stated): gnomAD 0.00001; gnomAD exomes 0.00001 and 0.00002; TOPMed 0.00001; ExAC 0.00002.
gnomAD v4.1: 30 of 1,613,922 alleles (0.0019%); highest among the groups gnomAD compares: Non-Finnish European, 0.0024%; no homozygotes.

Submission:

Labcorp Genetics (formerly Invitae), Labcorp
Classification: Uncertain significance. Last evaluated: 2022-02-24. Review status: criteria provided, single submitter. Criteria: Invitae Variant Classification Sherloc (09022015). Collection method: clinical testing. Allele origin: germline.
Comment: This sequence change replaces proline, which is neutral and non-polar, with serine, which is neutral and polar, at codon 164 of the PLK4 protein (p.Pro164Ser). This variant is present in population databases (rs753397524, gnomAD 0.003%). This variant has not been reported in the literature in individuals affected with PLK4-related conditions. ClinVar contains an entry for this variant (Variation ID: 951429). Algorithms developed to predict the effect of missense changes on protein structure and function (SIFT, PolyPhen-2, Align-GVGD) all suggest that this variant is likely to be disruptive. In summary, the available evidence is currently insufficient to determine the role of this variant in disease. Therefore, it has been classified as a Variant of Uncertain Significance.